The following is an entry in ClinVar:

ClinVar aggregate classification (germline): Uncertain significance. Review status: criteria provided, multiple submitters, no conflicts (2 of 4 stars). 2 submissions from 2 submitters: Uncertain significance (2). Last evaluated 2025-05-23.

Conditions:
Inborn genetic diseases. Identifiers: MedGen C0950123, MeSH D030342.

gnomAD v4.1: 1 of 1,613,968 alleles (0.000062%); highest among the groups gnomAD compares: Non-Finnish European, 0.000085%; no homozygotes.

Submissions (2):

Labcorp Genetics (formerly Invitae), Labcorp
Classification: Uncertain significance. Last evaluated: 2025-05-23. Review status: criteria provided, single submitter. Criteria: Invitae Variant Classification Sherloc (09022015). Collection method: clinical testing. Allele origin: germline.
Comment: This sequence change replaces proline, which is neutral and non-polar, with serine, which is neutral and polar, at codon 213 of the DDX41 protein (p.Pro213Ser). This variant is not present in population databases (gnomAD no frequency). This variant has not been reported in the literature in individuals affected with DDX41-related conditions. An algorithm developed to predict the effect of missense changes on protein structure and function (PolyPhen-2) suggests that this variant is likely to be disruptive. In summary, the available evidence is currently insufficient to determine the role of this variant in disease. Therefore, it has been classified as a Variant of Uncertain Significance.

Ambry Genetics
Classification: Uncertain significance for Inborn genetic diseases. Last evaluated: 2025-03-20. Review status: criteria provided, single submitter. Criteria: Ambry Variant Classification Scheme 2023. Collection method: clinical testing. Allele origin: germline.
Comment: The p.P213S variant (also known as c.637C>T), located in coding exon 7 of the DDX41 gene, results from a C to T substitution at nucleotide position 637. The proline at codon 213 is replaced by serine, an amino acid with similar properties. This amino acid position is conserved. In addition, the in silico prediction for this alteration is inconclusive. Based on the available evidence, the clinical significance of this variant remains unclear.

NM_016222.4(DDX41):c.637C>T (p.Pro213Ser)

Gene: DDX41 (DEAD-box helicase 41; minus strand). Cytogenetic location: 5q35.3.
Variant type: single nucleotide variant.
Coding change: c.637C>T on transcript NM_016222.4 (MANE Select); coding-DNA position 637, C replaced by T.
Protein change: p.Pro213Ser; replaces proline 213 with serine.
Molecular consequence: missense variant.
Genome position (GRCh38, 1-based): chr5:177,515,193, G>A on the plus strand (C>T on the coding strand, the complement: DDX41 is on the minus strand). VCF-style: chr5-177515193-G-A. GRCh37 (hg19) VCF-style: chr5-176942194-G-A.
Other names: c.259C>T, p.Pro87Ser (NM_001321732.2, NM_001321830.2); short protein forms P213S, P87S.
Identifiers: ClinVar variation 4010277 (VCV004010277.2).
Genomic context (GRCh38, chr5:177,515,193, plus strand): 5'-TCCTCCCTGTTCCAGCCCTCCTCAAGGACCCCAGGTCCACAGTCCACACTCACATGGTGG[G>A]GATGCCCTGGATCTGAATGGGTGTTGGGTGGTGAATGCCTTTCTTCTTCAGGCCTCTCAG-3'
Protein context (NP_057306.2, residues 203-223): HPTPIQIQGI[Pro213Ser]TILSGRDMIG